The following is an entry in ClinVar:

NM_002075.4(GNB3):c.96+2T>G

Gene: GNB3 (G protein subunit beta 3; plus strand). Cytogenetic location: 12p13.31.
Variant type: single nucleotide variant.
Coding change: c.96+2T>G on transcript NM_002075.4 (MANE Select); the canonical splice donor site of the intron after coding-DNA position 96, T replaced by G.
Molecular consequence: splice donor variant.
Genome position (GRCh38, 1-based): chr12:6,841,626, T>G. VCF-style: chr12-6841626-T-G. GRCh37 (hg19) VCF-style: chr12-6950790-T-G.
Other names: c.96+2T>G (NM_001297571.2).
Identifiers: ClinVar variation 2884547 (VCV002884547.4), dbSNP rs782463476, ClinGen allele CA6417367.

ClinVar aggregate classification (germline): Conflicting classifications of pathogenicity. Review status: criteria provided, conflicting classifications (1 of 4 stars). 2 submissions from 2 submitters: Likely pathogenic (1); Uncertain significance (1). Last evaluated 2023-05-20.

Conditions:
GNB3-related disorders.

Allele frequency attached by ClinVar (database versions not stated): gnomAD exomes below 0.00001; ExAC 0.00002; gnomAD 0.00005; TOPMed 0.00007.
gnomAD v4.1: 9 of 1,611,128 alleles (0.00056%); highest among the groups gnomAD compares: African/African-American, 0.012%; no homozygotes.

Submissions (2):

Labcorp Genetics (formerly Invitae), Labcorp
Classification: Uncertain significance. Last evaluated: 2023-05-20. Review status: criteria provided, single submitter. Criteria: Invitae Variant Classification Sherloc (09022015). Collection method: clinical testing. Allele origin: germline.
Comment: This variant has not been reported in the literature in individuals affected with GNB3-related conditions. This sequence change affects a donor splice site in intron 3 of the GNB3 gene. It is expected to disrupt RNA splicing. Variants that disrupt the donor or acceptor splice site typically lead to a loss of protein function (PMID: 16199547), however the current clinical and genetic evidence is not sufficient to establish whether loss-of-function variants in GNB3 cause disease. This variant is present in population databases (rs782463476, gnomAD 0.02%). Algorithms developed to predict the effect of sequence changes on RNA splicing suggest that this variant may disrupt the consensus splice site. In summary, the available evidence is currently insufficient to determine the role of this variant in disease. Therefore, it has been classified as a Variant of Uncertain Significance.

Blueprint Genetics
Classification: Likely pathogenic for GNB3-related disorders. Last evaluated: 2022-10-07. Review status: criteria provided, single submitter. Criteria: ACMG Guidelines, 2015. Collection method: clinical testing. Allele origin: germline. Affected: yes. Observed: 1 variant allele.

Literature cited by the submitters: PubMed 16199547 (cited by Labcorp Genetics (formerly Invitae), Labcorp).